The following is an entry in ClinVar:

NM_001042492.3(NF1):c.3841G>A (p.Ala1281Thr)

Gene: NF1 (neurofibromin 1; plus strand). Cytogenetic location: 17q11.2.
Variant type: single nucleotide variant.
Coding change: c.3841G>A on transcript NM_001042492.3 (MANE Select); coding-DNA position 3841, G replaced by A.
Protein change: p.Ala1281Thr; replaces alanine 1281 with threonine.
Molecular consequence: missense variant.
Genome position (GRCh38, 1-based): chr17:31,235,743, G>A. VCF-style: chr17-31235743-G-A. GRCh37 (hg19) VCF-style: chr17-29562761-G-A.
Other names: p.Ala1281Thr; c.3841G>A, p.Ala1281Thr (NM_000267.4); short protein forms A1281T.
Identifiers: ClinVar variation 1447348 (VCV001447348.38), dbSNP rs2151438011, ClinGen allele CA398992808.

ClinVar aggregate classification (germline): Conflicting classifications of pathogenicity. Review status: criteria provided, conflicting classifications (1 of 4 stars). 7 submissions from 7 submitters: Uncertain significance (6); Likely benign (1). Last evaluated 2025-12-09.

Conditions:
Hereditary cancer-predisposing syndrome. Also called: Hereditary neoplastic syndrome; Tumor predisposition; Hereditary Cancer Syndrome; Neoplastic Syndromes, Hereditary. Identifiers: Orphanet 140162, MedGen C0027672, MeSH D009386, MONDO:0015356.
Cardiovascular phenotype. Identifiers: MedGen CN230736.
Neurofibromatosis, type 1 (NF1). Also called: Peripheral type neurofibromatosis; Neurofibromatosis, type I; NEUROFIBROMATOSIS, TYPE I, SOMATIC; VON RECKLINGHAUSEN DISEASE. Identifiers: Orphanet 636, MedGen C0027831, MONDO:0018975, OMIM 162200. Disease mechanism: loss of function.

gnomAD v4.1: 1 of 1,614,096 alleles (0.000062%); highest among the groups gnomAD compares: Non-Finnish European, 0.000085%; no homozygotes.

Submissions (7):

Praxis Für Humangenetik, Biosciencia MVZ Labor Saar
Classification: Uncertain significance for Hereditary cancer-predisposing syndrome. Last evaluated: 2025-12-09. Review status: criteria provided, single submitter. Criteria: ACMG Guidelines, 2015. Collection method: clinical testing. Allele origin: germline.
Comment: PM2, PP3

Labcorp Genetics (formerly Invitae), Labcorp
Classification: Likely benign for Neurofibromatosis, type 1. Last evaluated: 2025-11-24. Review status: criteria provided, single submitter. Criteria: Invitae Variant Classification Sherloc (09022015). Collection method: clinical testing. Allele origin: germline.

Ambry Genetics
Classification: Uncertain significance for Cardiovascular phenotype; Hereditary cancer-predisposing syndrome. Last evaluated: 2025-07-18. Review status: criteria provided, single submitter. Criteria: Ambry Variant Classification Scheme 2023. Collection method: clinical testing. Allele origin: germline.
Comment: The p.A1281T variant (also known as c.3841G>A), located in coding exon 28 of the NF1 gene, results from a G to A substitution at nucleotide position 3841. The alanine at codon 1281 is replaced by threonine, an amino acid with similar properties. This amino acid position is highly conserved in available vertebrate species. In addition, this alteration is predicted to be deleterious by in silico analysis. Based on the available evidence, the clinical significance of this variant remains unclear.

Mayo Clinic Laboratories, Mayo Clinic
Classification: Uncertain significance. Last evaluated: 2024-07-25. Review status: criteria provided, single submitter. Criteria: ACMG Guidelines, 2015. Collection method: clinical testing. Allele origin: germline. Observed: 1 variant allele.
Comment: PM2

CeGaT Center for Human Genetics Tuebingen
Classification: Uncertain significance. Last evaluated: 2023-12-01. Review status: criteria provided, single submitter. Criteria: CeGaT Center For Human Genetics Tuebingen Variant Classification Criteria Version 2. Collection method: clinical testing. Allele origin: germline. Affected: yes. Observed: 2 variant alleles.
Comment: NF1: PM2, PP3

Genome-Nilou Lab
Classification: Uncertain significance for Neurofibromatosis, type 1. Last evaluated: 2022-03-15. Review status: criteria provided, single submitter. Criteria: ACMG Guidelines, 2015. Collection method: clinical testing. Allele origin: germline. Affected: no.

Sema4
Classification: Uncertain significance for Hereditary cancer-predisposing syndrome. Last evaluated: 2021-10-19. Review status: criteria provided, single submitter. Criteria: Sema4 Curation Guidelines. Collection method: curation. Allele origin: germline.
Comment: To the best of our knowledge, the NF1 c.3841G>A (p.A1281T) variant has not been reported in individuals with NF1-related disease. This variant is not reported in the population database Genome Aggregation Database (PMID: 32461654), nor in ClinVar. Functional studies have not been performed, and in silico predictions of the variant's effect on protein function are inconclusive. The evidence is insufficient to meet ACMG/AMP criteria for classifying the variant as benign or pathogenic. Thus, the clinical significance of this variant is currently uncertain.

Literature cited by the submitters: PubMed 33471991 (cited by Ambry Genetics).